The following is an entry in ClinVar:

ClinVar aggregate classification (germline): Pathogenic/Likely pathogenic. Review status: criteria provided, multiple submitters, no conflicts (2 of 4 stars). 11 submissions from 11 submitters: Pathogenic (5); Likely pathogenic (4). 2 of the submissions do not count toward it. Last evaluated 2026-07-23.

Conditions:
Intellectual developmental disorder with or without peripheral neuropathy (IDDPN). Identifiers: Orphanet 694937, MedGen C5676969, MONDO:0859240, OMIM 619844.
Intellectual disability. Also called: Intellectual functioning disability; intellectual disabilities; Intellectual developmental disorder. Identifiers: MedGen C3714756, MeSH D008607, MONDO:0001071, HP:0001249.
NUDT2-associated condition.
Complex neurodevelopmental disorder. Identifiers: Orphanet 528084, MedGen C5568766, MONDO:0100038.
NUDT2-related condition.

Submissions (11):

PreventionGenetics, part of Exact Sciences
Classification: Likely pathogenic for NUDT2-related condition. Last evaluated: 2026-07-23. Review status: criteria provided, single submitter. Criteria: ACMG Guidelines, 2015. Collection method: clinical testing. Allele origin: germline.
Comment: The NUDT2 c.186delA variant is predicted to result in a frameshift and premature protein termination (p.Glu62Glufs*4). This variant has been reported in the homozygous state in multiple individuals with NUDT2-related intellectual disability and polyneuropathy (Diaz et al. 2020. PubMed ID: 33058507; Figure S1, Husain et al. 2024. PubMed ID: 38141063; Bi et al. 2024. PubMed ID: 38243213). This variant is reported in 0.022% of alleles in individuals of European (non-Finnish) descent in gnomAD. This variant has interpretations of likely pathogenic and pathogenic in ClinVar (Variation ID: 689658). This variant is interpreted as likely pathogenic.

3billion
Classification: Pathogenic for Intellectual developmental disorder with or without peripheral neuropathy. Last evaluated: 2025-06-04. Review status: criteria provided, single submitter. Criteria: ACMG Guidelines, 2015. Collection method: clinical testing. Allele origin: germline. Affected: yes.
Comment: The variant is observed at an extremely low frequency in the gnomAD v4.1.0 dataset (total allele frequency: 0.028%). Predicted Consequence/Location: Frameshift: predicted to result in a loss or disruption of normal protein function through protein truncation. Multiple pathogenic variants are reported in the predicted truncated region. The variant has been reported at least twice as pathogenic with clinical assertions and evidence for the classification (ClinVar ID: VCV000689658 /PMID: 31607746 /3billion dataset). Therefore, this variant is classified as Pathogenic according to the recommendation of ACMG/AMP guideline.

Labcorp Genetics (formerly Invitae), Labcorp
Classification: Pathogenic. Last evaluated: 2025-05-01. Review status: criteria provided, single submitter. Criteria: Invitae Variant Classification Sherloc (09022015). Collection method: clinical testing. Allele origin: germline.
Comment: This sequence change creates a premature translational stop signal (p.Ala63Glnfs*3) in the NUDT2 gene. While this is not anticipated to result in nonsense mediated decay, it is expected to disrupt the last 85 amino acid(s) of the NUDT2 protein. This variant is present in population databases (rs529087882, gnomAD 0.02%). This premature translational stop signal has been observed in individuals with NUDT2-related conditions (PMID: 33058507, 38141063). It has also been observed to segregate with disease in related individuals. ClinVar contains an entry for this variant (Variation ID: 689658). Studies have shown that this premature translational stop signal alters NUDT2 gene expression (PMID: 38141063). For these reasons, this variant has been classified as Pathogenic.

GeneDx
Classification: Pathogenic. Last evaluated: 2024-07-16. Review status: criteria provided, single submitter. Criteria: GeneDx Variant Classification Process June 2021. Collection method: clinical testing. Allele origin: germline. Affected: yes.
Comment: Frameshift variant predicted to result in abnormal protein length as the last 85 amino acids are replaced with 2 different amino acids; This variant is associated with the following publications: (PMID: 31607746, 33058507, 38243213)

Women's Health and Genetics/Laboratory Corporation of America, LabCorp
Classification: Pathogenic for Intellectual developmental disorder with or without peripheral neuropathy. Last evaluated: 2024-03-28. Review status: criteria provided, single submitter. Criteria: LabCorp Variant Classification Summary - May 2015. Collection method: clinical testing. Allele origin: germline.
Comment: Variant summary: NUDT2 c.186delA (p.Ala63GlnfsX3) results in a premature termination codon, predicted to cause a truncation of the encoded protein, however current evidence is not sufficient to establish loss-of-function variants in NUDT2 as causative of disease. The variant allele was found at a frequency of 0.00012 in 251412 control chromosomes (gnomAD). c.186delA has been reported in the literature in individuals affected with Intellectual Developmental with Neuropathy (Diaz_2020). These data indicate that the variant is very likely to be associated with disease. The following publication has been ascertained in the context of this evaluation (PMID: 33058507). ClinVar contains an entry for this variant (Variation ID: 689658). Based on the evidence outlined above, the variant was classified as pathogenic.

Laboratoire de Génétique Moléculaire, CHU Bordeaux
Classification: Pathogenic for Intellectual developmental disorder with or without peripheral neuropathy. Last evaluated: 2022-11-24. Review status: criteria provided, single submitter. Criteria: ACMG Guidelines, 2015. Collection method: clinical testing. Allele origin: germline. Affected: yes.

Molecular Genetics, Royal Melbourne Hospital
Classification: Likely pathogenic for Complex neurodevelopmental disorder. Last evaluated: 2022-04-22. Review status: criteria provided, single submitter. Criteria: ACMG Guidelines, 2015. Collection method: clinical testing. Allele origin: germline.
Comment: This sequence change is a deletion of 1 bp in exon 5 (of 5) of NUDT2 that is predicted to create a premature termination codon at position 65, p.(Ala63Glnfs*3). While this is not anticipated to result in nonsense mediated decay, it is expected to remove the last 83 amino acids (greater than half of the protein). Loss of function has recently been established as a mechanism of disease for this gene (PMID: 27431290, 30059600, 33058507). The variant is present in a large population cohort at a frequency of 0.01% (29/251,412 alleles, 0 homozygotes in gnomAD v2.1). The variant has been identified in the homozygous state in two unrelated individuals with intellectual disability and polyneuropathy, and segregates to a similarly affected sibling in one of these families (PMID: 33058507). Based on the classification scheme RMH ACMG Guidelines v1.2.1, this variant is classified as LIKELY PATHOGENIC. Following criteria are met: PVS1_Strong, PM2, PM3, PP1.

CeGaT Center for Human Genetics Tuebingen
Classification: Likely pathogenic. Last evaluated: 2022-01-01. Review status: criteria provided, single submitter. Criteria: CeGaT Center For Human Genetics Tuebingen Variant Classification Criteria Version 2. Collection method: clinical testing. Allele origin: germline. Affected: yes. Observed: 1 variant allele.

Undiagnosed Diseases Network, NIH
Classification: Likely pathogenic for NUDT2-associated condition. Last evaluated: 2019-07-30. Review status: criteria provided, single submitter. Criteria: ACMG Guidelines, 2015. Collection method: clinical testing. Allele origin: inherited. Inheritance: Autosomal recessive inheritance. Affected: yes. Observed: 1 variant allele, 1 homozygote. Study: Undiagnosed Diseases Network (NIH), UDN.

OMIM
Classification: Pathogenic for INTELLECTUAL DEVELOPMENTAL DISORDER WITH PERIPHERAL NEUROPATHY. Last evaluated: 2025-04-16. Review status: no assertion criteria provided. Collection method: literature only. Allele origin: germline. Not counted in ClinVar's aggregate classification.

Cytogénomique, Hospices Civils de Lyon
Classification: Pathogenic for Intellectual disability. Review status: no assertion criteria provided. Collection method: clinical testing. Allele origin: inherited. Inheritance: Autosomal recessive inheritance. Affected: yes. Not counted in ClinVar's aggregate classification.

Literature cited by the submitters: PubMed 31607746 (cited by 3billion); PubMed 33058507 (cited by 4 submitters); PubMed 38141063 (cited by Labcorp Genetics (formerly Invitae), Labcorp and OMIM); PubMed 27431290 (cited by Molecular Genetics, Royal Melbourne Hospital); PubMed 30059600 (cited by Molecular Genetics, Royal Melbourne Hospital).

NM_001161.5(NUDT2):c.186del (p.Ala63fs)

Gene: NUDT2 (nudix hydrolase 2; plus strand). Cytogenetic location: 9p13.3.
Variant type: Deletion.
Coding change: c.186del on transcript NM_001161.5 (MANE Select); coding-DNA position 186, one base deleted (A; older notation c.186delA).
Protein change: p.Ala63fs; shifts the reading frame from alanine 63.
Molecular consequence: frameshift variant.
Genome position (GRCh38, 1-based): chr9:34,343,182, A deleted; the last of 2 consecutive A bases (chr9:34,343,181-34,343,182); deleting either gives the same sequence. VCF-style (leftmost placement, unchanged base first): chr9-34343180-GA-G. GRCh37 (hg19) VCF-style: chr9-34343178-GA-G.
Other names: c.186del, p.Ala63fs (NM_001244390.2, NM_147172.3, NM_147173.3); c.186delA (NM_001161.5, NM_001244390.1, NM_001244390.2); short protein forms A63fs.
Identifiers: ClinVar variation 689658 (VCV000689658.50), dbSNP rs529087882, ClinGen allele CA5032683.